The following is an entry in ClinVar:

ClinVar aggregate classification (germline): Likely benign. Review status: criteria provided, single submitter (1 of 4 stars). 2 submissions from 2 submitters: Likely benign (1). 1 of the submissions does not count toward it. Last evaluated 2025-02-01.

Conditions:
NAGPA-related disorder. Also called: NAGPA-related condition.

Allele frequency attached by ClinVar (database versions not stated): 1000 Genomes Project 30x 0.00031; 1000 Genomes Project 0.00040; gnomAD 0.00056; gnomAD exomes 0.00062; TOPMed 0.00090; ExAC 0.00092; ESP Exome Variant Server 0.00108.

Submissions (2):

CeGaT Center for Human Genetics Tuebingen
Classification: Likely benign. Last evaluated: 2025-02-01. Review status: criteria provided, single submitter. Criteria: CeGaT Center For Human Genetics Tuebingen Variant Classification Criteria Version 2. Collection method: clinical testing. Allele origin: germline. Affected: yes. Observed: 1 variant allele.
Comment: NAGPA: BP4

PreventionGenetics, part of Exact Sciences
Classification: Likely benign for NAGPA-related condition. Last evaluated: 2023-04-25. Review status: no assertion criteria provided. Collection method: clinical testing. Allele origin: germline. Not counted in ClinVar's aggregate classification.
Comment: This variant is classified as likely benign based on ACMG/AMP sequence variant interpretation guidelines (Richards et al. 2015 PMID: 25741868, with internal and published modifications).

NM_016256.4(NAGPA):c.1319G>C (p.Gly440Ala)

Gene: NAGPA (N-acetylglucosamine-1-phosphodiester alpha-N-acetylglucosaminidase; minus strand). Cytogenetic location: 16p13.3.
Variant type: single nucleotide variant.
Coding change: c.1319G>C on transcript NM_016256.4 (MANE Select); coding-DNA position 1319, G replaced by C.
Protein change: p.Gly440Ala; replaces glycine 440 with alanine.
Molecular consequence: missense variant.
Genome position (GRCh38, 1-based): chr16:5,027,156, C>G on the plus strand (G>C on the coding strand, the complement: NAGPA is on the minus strand). VCF-style: chr16-5027156-C-G. GRCh37 (hg19) VCF-style: chr16-5077157-C-G.
Other names: short protein forms G440A.
Identifiers: ClinVar variation 3041527 (VCV003041527.15), dbSNP rs149923128, ClinGen allele CA7888436.